The following is an entry in ClinVar:

ClinVar aggregate classification (germline): Uncertain significance (1 of 4 stars; one submission).

Conditions:
Autosomal dominant nonsyndromic hearing loss 1. Also called: KONIGSMARK SYNDROME; DEAFNESS, AUTOSOMAL DOMINANT 1, WITH OR WITHOUT THROMBOCYTOPENIA. Identifiers: Orphanet 90635, MedGen C1852282, MONDO:0007424, OMIM 124900.
Progressive microcephaly-seizures-cortical blindness-developmental delay syndrome. Also called: Seizures, cortical blindness, and microcephaly syndrome. Identifiers: Orphanet 477814, MedGen C5567650, MONDO:0014714, OMIM 616632.

Submission:

Labcorp Genetics (formerly Invitae), Labcorp
Classification: Uncertain significance for Progressive microcephaly-seizures-cortical blindness-developmental delay syndrome; Autosomal dominant nonsyndromic hearing loss 1. Last evaluated: 2025-03-23. Review status: criteria provided, single submitter. Criteria: Invitae Variant Classification Sherloc (09022015). Collection method: clinical testing. Allele origin: germline.
Comment: This sequence change replaces glycine, which is neutral and non-polar, with alanine, which is neutral and non-polar, at codon 34 of the DIAPH1 protein (p.Gly34Ala). This variant is not present in population databases (gnomAD no frequency). This variant has not been reported in the literature in individuals affected with DIAPH1-related conditions. Experimental studies and prediction algorithms are not available or were not evaluated, and the functional significance of this variant is currently unknown. In summary, the available evidence is currently insufficient to determine the role of this variant in disease. Therefore, it has been classified as a Variant of Uncertain Significance.

NM_005219.5(DIAPH1):c.101G>C (p.Gly34Ala)

Gene: DIAPH1 (diaphanous related formin 1; minus strand). Cytogenetic location: 5q31.3.
Variant type: single nucleotide variant.
Coding change: c.101G>C on transcript NM_005219.5 (MANE Select); coding-DNA position 101, G replaced by C.
Protein change: p.Gly34Ala; replaces glycine 34 with alanine.
Molecular consequence: missense variant.
Genome position (GRCh38, 1-based): chr5:141,618,814, C>G on the plus strand (G>C on the coding strand, the complement: DIAPH1 is on the minus strand). VCF-style: chr5-141618814-C-G. GRCh37 (hg19) VCF-style: chr5-140998381-C-G.
Other names: c.101G>C, p.Gly34Ala (NM_001079812.3, NM_001314007.2); short protein forms G34A.
Identifiers: ClinVar variation 4784514 (VCV004784514.1).
Genomic context (GRCh38, chr5:141,618,814, plus strand): 5'-GCGGTTACGGGGCCAGGCAGGAGCGGGATGGGAGGGACACTCACAAATTTCTTAGATTTG[C>G]CGCCGTCGCCGCCCGCCGAGGGCAGCTCATCTGGGCTCCGGCCCTTCTTCTTGTCCCGGG-3'
Protein context (NP_005210.3, residues 24-44): DELPSAGGDG[Gly34Ala]KSKKFTLKRL